The following is an entry in ClinVar:

ClinVar aggregate classification (germline): Uncertain significance (1 of 4 stars; one submission).

Conditions:
Peroxisome biogenesis disorder 5A (Zellweger) (PBD5A). Identifiers: Orphanet 912, MedGen C3553940, MONDO:0013932, OMIM 614866.

Allele frequency attached by ClinVar (database versions not stated): gnomAD exomes below 0.00001; TOPMed below 0.00001; gnomAD 0.00001.
gnomAD v4.1: 2 of 1,613,958 alleles (0.00012%); highest among the groups gnomAD compares: Non-Finnish European, 0.00017%; no homozygotes.

Submission:

Labcorp Genetics (formerly Invitae), Labcorp
Classification: Uncertain significance for Peroxisome biogenesis disorder 5A (Zellweger). Last evaluated: 2022-04-11. Review status: criteria provided, single submitter. Criteria: Invitae Variant Classification Sherloc (09022015). Collection method: clinical testing. Allele origin: germline.
Comment: This variant is present in population databases (no rsID available, gnomAD 0.0009%). This sequence change replaces alanine, which is neutral and non-polar, with valine, which is neutral and non-polar, at codon 74 of the PEX2 protein (p.Ala74Val). In summary, the available evidence is currently insufficient to determine the role of this variant in disease. Therefore, it has been classified as a Variant of Uncertain Significance. Algorithms developed to predict the effect of missense changes on protein structure and function are either unavailable or do not agree on the potential impact of this missense change (SIFT: "Deleterious"; PolyPhen-2: "Probably Damaging"; Align-GVGD: "Class C0"). This variant has not been reported in the literature in individuals affected with PEX2-related conditions.

NM_000318.3(PEX2):c.221C>T (p.Ala74Val)

Gene: PEX2 (peroxisomal biogenesis factor 2; minus strand). Cytogenetic location: 8q21.13.
Variant type: single nucleotide variant.
Coding change: c.221C>T on transcript NM_000318.3 (MANE Select); coding-DNA position 221, C replaced by T.
Protein change: p.Ala74Val; replaces alanine 74 with valine.
Molecular consequence: missense variant.
Genome position (GRCh38, 1-based): chr8:76,983,958, G>A on the plus strand (C>T on the coding strand, the complement: PEX2 is on the minus strand). VCF-style: chr8-76983958-G-A. GRCh37 (hg19) VCF-style: chr8-77896194-G-A.
Other names: c.221C>T, p.Ala74Val (NM_001079867.2, NM_001172086.2, NM_001172087.2); short protein forms A74V.
Identifiers: ClinVar variation 2124674 (VCV002124674.2), dbSNP rs1305420150, ClinGen allele CA371557823.